The following is an entry in ClinVar:

ClinVar aggregate classification (germline): Likely benign (0 of 4 stars; one submission).

Conditions:
CDC42BPB-related disorder.

Allele frequency attached by ClinVar (database versions not stated): gnomAD 0.00001; gnomAD exomes 0.00001.
gnomAD v4.1: 13 of 1,613,796 alleles (0.00081%); highest among the groups gnomAD compares: Middle Eastern, 0.017%; no homozygotes.

Submission:

PreventionGenetics, part of Exact Sciences
Classification: Likely benign for CDC42BPB-related condition. Last evaluated: 2024-02-15. Review status: no assertion criteria provided. Collection method: clinical testing. Allele origin: germline.
Comment: This variant is classified as likely benign based on ACMG/AMP sequence variant interpretation guidelines (Richards et al. 2015 PMID: 25741868, with internal and published modifications).

NM_006035.4(CDC42BPB):c.1950C>T (p.Ser650=)

Gene: CDC42BPB (CDC42 binding protein kinase beta; minus strand). Cytogenetic location: 14q32.32.
Variant type: single nucleotide variant.
Coding change: c.1950C>T on transcript NM_006035.4 (MANE Select); coding-DNA position 1950, C replaced by T.
Protein change: p.Ser650=; no amino-acid change (serine 650 retained).
Molecular consequence: synonymous variant.
Genome position (GRCh38, 1-based): chr14:102,970,196, G>A on the plus strand (C>T on the coding strand, the complement: CDC42BPB is on the minus strand). VCF-style: chr14-102970196-G-A. GRCh37 (hg19) VCF-style: chr14-103436533-G-A.
Other names: c.1950C>T, p.Ser650= (NM_001411054.1).
Identifiers: ClinVar variation 3028980 (VCV003028980.2), dbSNP rs1413235617, ClinGen allele CA488006801.